The following is an entry in ClinVar:

ClinVar aggregate classification (germline): Uncertain significance. Review status: reviewed by expert panel (3 of 4 stars). 4 submissions from 4 submitters: Uncertain significance (1). 3 of the submissions do not count toward it. Last evaluated 2025-03-13.

Conditions:
Cerebral creatine deficiency syndrome. Also called: Creatine deficiency syndromes. Identifiers: Orphanet 79172, MedGen C5244016, MONDO:0000456.
Deficiency of guanidinoacetate methyltransferase (CCDS2). Also called: Guanidinoacetate Methyltransferase (GAMT) Deficiency; CEREBRAL CREATINE DEFICIENCY SYNDROME 2; GAMT DEFICIENCY. Identifiers: Orphanet 382, MedGen C0574080, MONDO:0012999, OMIM 612736.

Allele frequency attached by ClinVar (database versions not stated): gnomAD 0.00001; TOPMed 0.00001; ExAC 0.00004.
gnomAD v4.1: 37 of 1,613,630 alleles (0.0023%); highest among the groups gnomAD compares: Admixed American, 0.0033%; no homozygotes.

Submissions (4):

ClinGen Cerebral Creatine Deficiency Syndromes Variant Curation Expert Panel, ClinGen
Classification: Uncertain significance for Deficiency of guanidinoacetate methyltransferase. Last evaluated: 2025-03-13. Review status: reviewed by expert panel. Criteria: ClinGen CCDS ACMG Specifications GAMT V2.0.0. Collection method: curation. Allele origin: germline. Inheritance: Autosomal recessive inheritance.
Comment: The NM_000156.6:c.438A>G (p.Thr146=) variant in GAMT is a synonymous (silent) variant that is not predicted by SpliceAI to impact splicing. In addition, it occurs at a nucleotide that is not conserved as shown by phyloP (score -4.7) (BP4, BP7). This variant has been previously reported in an individual with GAMT deficiency who had significantly decreased creatine peak on MRS (PMID: 7808840) and GAMT activity <0.1% versus normal in fibroblasts (PMID: 11978605). The highest population minor allele frequency in gnomAD v4.1.0. is 0.00003333 (2/60006 alleles) in the Admixed American, which is lower than the ClinGen CCDS VCEP’s threshold for PM2_Supporting (<0.0004), meeting this criterion (PM2_Supporting). There is a ClinVar entry for this variant (Variation ID: 21066). In summary, this variant meets the criteria to be classified as a variant of uncertain significance for GAMT deficiency. Although the evidence is tending likely benign, the lack of data regarding the impact of this variant on it's own, in the ansence of the other two variants, led to a VUS classification based on the GAMT-specific ACMG/AMP criteria applied, as specified by the ClinGen Cerebral Creatine Deficiency Syndromes Variant Curation Expert Panel (Specifications Version 2.0.0): PM2_Supporting, BP2, BP4, BP7. (Classification approved by the ClinGen Cerebral Creatine Deficiency Syndromes Variant Curation Expert Panel on March 13, 2025)

Labcorp Genetics (formerly Invitae), Labcorp
Classification: Likely benign for Cerebral creatine deficiency syndrome. Last evaluated: 2024-06-02. Review status: criteria provided, single submitter. Criteria: Invitae Variant Classification Sherloc (09022015). Collection method: clinical testing. Allele origin: germline. Not counted in ClinVar's aggregate classification.

Baylor Genetics
Classification: Uncertain significance for Deficiency of guanidinoacetate methyltransferase. Last evaluated: 2018-08-14. Review status: criteria provided, single submitter. Criteria: ACMG Guidelines, 2015. Collection method: clinical testing. Allele origin: unknown. Affected: yes. Not counted in ClinVar's aggregate classification.
Comment: This variant was determined to be of uncertain significance according to ACMG Guidelines, 2015 [PMID:25741868].

GeneReviews
No classification provided. Condition: Deficiency of guanidinoacetate methyltransferase. Review status: no classification provided. Collection method: literature only. Allele origin: unknown. Not counted in ClinVar's aggregate classification.

Literature cited by the submitters: PubMed 16855203 (cited by GeneReviews); PubMed 20301745 (cited by GeneReviews); NCBI Bookshelf NBK3794 (cited by GeneReviews).

NM_000156.6(GAMT):c.438A>G (p.Thr146=)

Gene: GAMT (guanidinoacetate N-methyltransferase; minus strand). Cytogenetic location: 19p13.3.
Variant type: single nucleotide variant.
Coding change: c.438A>G on transcript NM_000156.6 (MANE Select); coding-DNA position 438, A replaced by G.
Protein change: p.Thr146=; no amino-acid change (threonine 146 retained).
Molecular consequence: synonymous variant.
Genome position (GRCh38, 1-based): chr19:1,399,149, T>C on the plus strand (A>G on the coding strand, the complement: GAMT is on the minus strand). VCF-style: chr19-1399149-T-C. GRCh37 (hg19) VCF-style: chr19-1399148-T-C.
Other names: NM_000156.6(GAMT):c.438A>G; p.Thr146=; c.438A>G, p.Thr146= (NM_138924.3).
Identifiers: ClinVar variation 21066 (VCV000021066.14), dbSNP rs80338733, ClinGen allele CA341572.